The following is an entry in ClinVar:

ClinVar aggregate classification (germline): Uncertain significance (1 of 4 stars; one submission).

Conditions:
Cirrhosis, familial. Identifiers: Orphanet 209919, MedGen C1861556, MONDO:0007329, OMIM 215600.

Allele frequency attached by ClinVar (database versions not stated): gnomAD exomes below 0.00001; TOPMed below 0.00001.
gnomAD v4.1: 4 of 1,611,122 alleles (0.00025%); highest among the groups gnomAD compares: South Asian, 0.0011%; no homozygotes.

Submission:

Baylor Genetics
Classification: Uncertain significance for Cirrhosis, familial. Last evaluated: 2020-06-03. Review status: criteria provided, single submitter. Criteria: ACMG Guidelines, 2015. Collection method: clinical testing. Allele origin: unknown. Affected: yes.
Comment: This variant was determined to be of uncertain significance according to ACMG Guidelines, 2015 [PMID:25741868].

NM_000224.3(KRT18):c.541G>A (p.Asp181Asn)

Genes: KRT18 (keratin 18; plus strand), LOC106096416 (KRT18 locus control region; plus strand). Cytogenetic location: 12q13.13.
Variant type: single nucleotide variant.
Coding change: c.541G>A on transcript NM_000224.3 (MANE Select); coding-DNA position 541, G replaced by A.
Protein change: p.Asp181Asn; replaces aspartic acid 181 with asparagine.
Molecular consequence: missense variant.
Genome position (GRCh38, 1-based): chr12:52,950,790, G>A. VCF-style: chr12-52950790-G-A. GRCh37 (hg19) VCF-style: chr12-53344574-G-A.
Other names: c.541G>A, p.Asp181Asn (NM_199187.2); short protein forms D181N.
Identifiers: ClinVar variation 1029725 (VCV001029725.1), dbSNP rs1942470902, ClinGen allele CA385004810.